The following is an entry in ClinVar:

ClinVar aggregate classification (germline): Uncertain significance (1 of 4 stars; one submission).

Conditions:
Familial adenomatous polyposis 1 (FAP1). Also called: FAMILIAL ADENOMATOUS POLYPOSIS 1, ATTENUATED; POLYPOSIS, ADENOMATOUS INTESTINAL. Identifiers: MedGen C2713442, MONDO:0021056, OMIM 175100. Disease mechanism: loss of function.

gnomAD v4.1: 5 of 1,368,846 alleles (0.00037%); highest among the groups gnomAD compares: Non-Finnish European, 0.00048%; no homozygotes.

Submission:

Labcorp Genetics (formerly Invitae), Labcorp
Classification: Uncertain significance for Familial adenomatous polyposis 1. Last evaluated: 2024-04-30. Review status: criteria provided, single submitter. Criteria: Invitae Variant Classification Sherloc (09022015). Collection method: clinical testing. Allele origin: germline.
Comment: This variant occurs in a non-coding region of the APC gene. It does not change the encoded amino acid sequence of the APC protein. This variant is not present in population databases (gnomAD no frequency). This variant has not been reported in the literature in individuals affected with APC-related conditions. Experimental studies and prediction algorithms are not available or were not evaluated, and the functional significance of this variant is currently unknown. In summary, the available evidence is currently insufficient to determine the role of this variant in disease. Therefore, it has been classified as a Variant of Uncertain Significance.

NM_001127511.3(APC):c.156C>A (p.Ser52Arg)

Gene: APC (APC regulator of Wnt signaling pathway; plus strand). Cytogenetic location: 5q22.2.
Variant type: single nucleotide variant.
Coding change: c.156C>A on transcript NM_001127511.3; coding-DNA position 156, C replaced by A.
Protein change: p.Ser52Arg; replaces serine 52 with arginine.
Molecular consequence: missense variant. On other transcripts: 5 prime UTR variant (8), non-coding transcript variant (1), intron variant (5).
Genome position (GRCh38, 1-based): chr5:112,707,873, C>A. VCF-style: chr5-112707873-C-A. GRCh37 (hg19) VCF-style: chr5-112043570-C-A.
Other names: c.-28C>A (NM_001354895.2, NM_001407447.1, NM_001407452.1 and 3 more transcripts); c.156C>A, p.Ser52Arg (NM_001354897.2, NM_001354902.2, NM_001407446.1); c.-1063C>A (NM_001407470.1, NM_001407472.1); c.-19+224C>A (NM_001407448.1, NM_001407450.1, NM_001407457.1 and 1 more transcripts); c.-43+224C>A (NM_001407453.1); short protein forms S52R.
Identifiers: ClinVar variation 1061069 (VCV001061069.9), dbSNP rs1051954601, ClinGen allele CA360612194.